The following is an entry in ClinVar:

NM_000455.5(STK11):c.367C>G (p.Gln123Glu)

Gene: STK11 (serine/threonine kinase 11; plus strand). Cytogenetic location: 19p13.3.
Variant type: single nucleotide variant.
Coding change: c.367C>G on transcript NM_000455.5 (MANE Select); coding-DNA position 367, C replaced by G.
Protein change: p.Gln123Glu; replaces glutamine 123 with glutamic acid.
Molecular consequence: missense variant.
Genome position (GRCh38, 1-based): chr19:1,218,493, C>G. VCF-style: chr19-1218493-C-G. GRCh37 (hg19) VCF-style: chr19-1218492-C-G.
Other names: c.367C>G (NM_000455.4); short protein forms Q123E.
Identifiers: ClinVar variation 1057706 (VCV001057706.10), dbSNP rs1131690925, ClinGen allele CA402947910.

ClinVar aggregate classification (germline): Uncertain significance. Review status: criteria provided, multiple submitters, no conflicts (2 of 4 stars). 2 submissions from 2 submitters: Uncertain significance (2). Last evaluated 2023-09-18.

Conditions:
Hereditary cancer-predisposing syndrome. Also called: Tumor predisposition; Neoplastic Syndromes, Hereditary; Hereditary Cancer Syndrome; Hereditary neoplastic syndrome. Identifiers: Orphanet 140162, MedGen C0027672, MeSH D009386, MONDO:0015356.
Peutz-Jeghers syndrome (PJS). Also called: POLYPOSIS, HAMARTOMATOUS INTESTINAL; POLYPS-AND-SPOTS SYNDROME; Peutz-Jeghers polyposis; Periorificial lentiginosis syndrome. Identifiers: Orphanet 2869, MedGen C0031269, MeSH D010580, MONDO:0008280, OMIM 175200.

Submissions (2):

Ambry Genetics
Classification: Uncertain significance for Hereditary cancer-predisposing syndrome. Last evaluated: 2023-09-18. Review status: criteria provided, single submitter. Criteria: Ambry Variant Classification Scheme 2023. Collection method: clinical testing. Allele origin: germline.
Comment: The p.Q123E variant (also known as c.367C>G), located in coding exon 2 of the STK11 gene, results from a C to G substitution at nucleotide position 367. The glutamine at codon 123 is replaced by glutamic acid, an amino acid with highly similar properties. This amino acid position is conserved. In addition, the in silico prediction for this alteration is inconclusive. Since supporting evidence is limited at this time, the clinical significance of this alteration remains unclear.

Labcorp Genetics (formerly Invitae), Labcorp
Classification: Uncertain significance for Peutz-Jeghers syndrome. Last evaluated: 2020-09-24. Review status: criteria provided, single submitter. Criteria: Invitae Variant Classification Sherloc (09022015). Collection method: clinical testing. Allele origin: germline.
Comment: This sequence change replaces glutamine with glutamic acid at codon 123 of the STK11 protein (p.Gln123Glu). The glutamine residue is highly conserved and there is a small physicochemical difference between glutamine and glutamic acid. This variant is not present in population databases (ExAC no frequency). This variant has not been reported in the literature in individuals with STK11-related conditions. Algorithms developed to predict the effect of missense changes on protein structure and function (SIFT, PolyPhen-2, Align-GVGD) all suggest that this variant is likely to be tolerated, but these predictions have not been confirmed by published functional studies and their clinical significance is uncertain. In summary, the available evidence is currently insufficient to determine the role of this variant in disease. Therefore, it has been classified as a Variant of Uncertain Significance.